The following is an entry in ClinVar:

NM_005614.4(RHEB):c.71T>C (p.Ile24Thr)

Gene: RHEB (Ras homolog, mTORC1 binding; minus strand). Cytogenetic location: 7q36.1.
Variant type: single nucleotide variant.
Coding change: c.71T>C on transcript NM_005614.4 (MANE Select); coding-DNA position 71, T replaced by C.
Protein change: p.Ile24Thr; replaces isoleucine 24 with threonine.
Molecular consequence: missense variant.
Genome position (GRCh38, 1-based): chr7:151,490,996, A>G on the plus strand (T>C on the coding strand, the complement: RHEB is on the minus strand). VCF-style: chr7-151490996-A-G. GRCh37 (hg19) VCF-style: chr7-151188082-A-G.
Other names: short protein forms I24T.
Identifiers: ClinVar variation 2747981 (VCV002747981.4), dbSNP rs2536111808, ClinGen allele CA370052716.
Genomic context (GRCh38, chr7:151,490,996, plus strand): 5'-TACTTACTGTTTTCTATGGTTGGATCGTAGGAGTCCACAAATTGGCCTTCAACAAATTGA[A>G]TCGTCAATGAGGATTTCCCTATAAAAGAGAACAAGAGCTTAGTGTGTGTTGGCATATGAA-3'
Protein context (NP_005605.1, residues 14-34): YRSVGKSSLT[Ile24Thr]QFVEGQFVDS

ClinVar aggregate classification (germline): Conflicting classifications of pathogenicity. Review status: criteria provided, conflicting classifications (1 of 4 stars). 2 submissions from 2 submitters: Likely pathogenic (1); Uncertain significance (1). Last evaluated 2023-08-02.

Conditions:
Intellectual disability. Also called: Intellectual functioning disability; intellectual disabilities; Intellectual developmental disorder. Identifiers: MedGen C3714756, MeSH D008607, MONDO:0001071, HP:0001249.

Submissions (2):

Labcorp Genetics (formerly Invitae), Labcorp
Classification: Uncertain significance. Last evaluated: 2023-08-02. Review status: criteria provided, single submitter. Criteria: Invitae Variant Classification Sherloc (09022015). Collection method: clinical testing. Allele origin: germline.
Comment: In summary, the available evidence is currently insufficient to determine the role of this variant in disease. Therefore, it has been classified as a Variant of Uncertain Significance. An algorithm developed to predict the effect of missense changes on protein structure and function (PolyPhen-2) suggests that this variant is likely to be disruptive. This variant has not been reported in the literature in individuals affected with RHEB-related conditions. This variant is not present in population databases (gnomAD no frequency). This sequence change replaces isoleucine, which is neutral and non-polar, with threonine, which is neutral and polar, at codon 24 of the RHEB protein (p.Ile24Thr).

Genetics Laboratory, UDIAT-Centre Diagnòstic, Hospital Universitari Parc Tauli
Classification: Likely pathogenic for intellectual disability. Last evaluated: 2022-09-06. Review status: criteria provided, single submitter. Criteria: ACMG Guidelines, 2015. Collection method: clinical testing. Allele origin: unknown. Inheritance: Autosomal dominant inheritance. Affected: yes.
Comment: PS2_strong;PM2_supporting;PP3_supporting